The following is an entry in ClinVar:

NM_001122681.2(SH3BP2):c.441G>A (p.Ser147=)

Gene: SH3BP2 (SH3 domain binding protein 2; plus strand). Cytogenetic location: 4p16.3.
Variant type: single nucleotide variant.
Coding change: c.441G>A on transcript NM_001122681.2 (MANE Select); coding-DNA position 441, G replaced by A.
Protein change: p.Ser147=; no amino-acid change (serine 147 retained).
Molecular consequence: synonymous variant.
Genome position (GRCh38, 1-based): chr4:2,827,242, G>A. VCF-style: chr4-2827242-G-A. GRCh37 (hg19) VCF-style: chr4-2828969-G-A.
Other names: p.Ser147=; c.441G>A, p.Ser147= (LRG_1334t1, NM_003023.4); c.525G>A, p.Ser175= (LRG_1334t2, NM_001145855.2); c.612G>A, p.Ser204= (NM_001145856.2).
Identifiers: ClinVar variation 348573 (VCV000348573.20), dbSNP rs145235325, ClinGen allele CA2819179.

ClinVar aggregate classification (germline): Benign/Likely benign. Review status: criteria provided, multiple submitters, no conflicts (2 of 4 stars). 7 submissions from 7 submitters: Benign (2); Likely benign (3). 2 of the submissions do not count toward it. Last evaluated 2026-01-28.

Conditions:
Fibrous dysplasia of jaw (CRBM). Also called: Cherubism. Identifiers: Orphanet 184, MedGen C0008029, MONDO:0007315, OMIM 118400.

Allele frequency attached by ClinVar (database versions not stated): ExAC 0.00046; gnomAD exomes 0.00047 and 0.00071; 1000 Genomes Project 0.00060; gnomAD 0.00060 and 0.00061; 1000 Genomes Project 30x 0.00062; TOPMed 0.00071; ESP Exome Variant Server 0.00092.
gnomAD v4.1: 1,129 of 1,614,134 alleles (0.07%); highest among the groups gnomAD compares: Non-Finnish European, 0.085%; 1 homozygote.

Submissions (7):

Labcorp Genetics (formerly Invitae), Labcorp
Classification: Likely benign for Fibrous dysplasia of jaw. Last evaluated: 2026-01-28. Review status: criteria provided, single submitter. Criteria: Invitae Variant Classification Sherloc (09022015). Collection method: clinical testing. Allele origin: germline.

Women's Health and Genetics/Laboratory Corporation of America, LabCorp
Classification: Benign. Last evaluated: 2025-09-09. Review status: criteria provided, single submitter. Criteria: LabCorp Variant Classification Summary - May 2015. Collection method: clinical testing. Allele origin: germline.

Mayo Clinic Laboratories, Mayo Clinic
Classification: Likely benign. Last evaluated: 2025-04-25. Review status: criteria provided, single submitter. Criteria: ACMG Guidelines, 2015. Collection method: clinical testing. Allele origin: germline. Observed: 3 variant alleles.
Comment: BP4, BP7

Blueprint Genetics
Classification: Likely benign. Last evaluated: 2024-11-26. Review status: criteria provided, single submitter. Criteria: ACMG Guidelines, 2015. Collection method: clinical testing. Allele origin: germline.

Illumina Laboratory Services, Illumina
Classification: Benign for Fibrous dysplasia of jaw. Last evaluated: 2018-01-12. Review status: criteria provided, single submitter. Criteria: ICSL Variant Classification Criteria 13 December 2019. Collection method: clinical testing. Allele origin: germline.
Comment: This variant was observed in the ICSL laboratory as part of a predisposition screen in an ostensibly healthy population. It had not been previously curated by ICSL or reported in the Human Gene Mutation Database (HGMD: prior to June 1st, 2018), and was therefore a candidate for classification through an automated scoring system. Utilizing variant allele frequency, disease prevalence and penetrance estimates, and inheritance mode, an automated score was calculated to assess if this variant is too frequent to cause the disease. Based on the score and internal cut-off values, a variant classified as benign is not then subjected to further curation. The score for this variant resulted in a classification of benign for this disease.

Clinical Genetics DNA and cytogenetics Diagnostics Lab, Erasmus MC, Erasmus Medical Center
Classification: Likely benign. Review status: no assertion criteria provided. Collection method: clinical testing. Allele origin: germline. Affected: yes. Study: VKGL Data-share Consensus. Not counted in ClinVar's aggregate classification.

Genome Diagnostics Laboratory, University Medical Center Utrecht
Classification: Likely benign. Review status: no assertion criteria provided. Collection method: clinical testing. Allele origin: germline. Affected: yes. Study: VKGL Data-share Consensus. Not counted in ClinVar's aggregate classification.